The following is an entry in ClinVar:

ClinVar aggregate classification (germline): Uncertain significance (1 of 4 stars; one submission).

Conditions:
Hereditary cancer-predisposing syndrome. Also called: Tumor predisposition; Neoplastic Syndromes, Hereditary; Hereditary Cancer Syndrome; Hereditary neoplastic syndrome. Identifiers: Orphanet 140162, MedGen C0027672, MeSH D009386, MONDO:0015356.

Submission:

Labcorp Genetics (formerly Invitae), Labcorp
Classification: Uncertain significance for Hereditary cancer-predisposing syndrome. Last evaluated: 2023-02-15. Review status: criteria provided, single submitter. Criteria: Invitae Variant Classification Sherloc (09022015). Collection method: clinical testing. Allele origin: germline.
Comment: Advanced modeling of protein sequence and biophysical properties (such as structural, functional, and spatial information, amino acid conservation, physicochemical variation, residue mobility, and thermodynamic stability) performed at Invitae indicates that this missense variant is not expected to disrupt RAD50 protein function. In summary, the available evidence is currently insufficient to determine the role of this variant in disease. Therefore, it has been classified as a Variant of Uncertain Significance. This variant has not been reported in the literature in individuals affected with RAD50-related conditions. This sequence change replaces glutamic acid, which is acidic and polar, with aspartic acid, which is acidic and polar, at codon 480 of the RAD50 protein (p.Glu480Asp). This variant is not present in population databases (gnomAD no frequency).

NM_005732.4(RAD50):c.1440G>T (p.Glu480Asp)

Gene: RAD50 (RAD50 double strand break repair protein; plus strand). Cytogenetic location: 5q31.1.
Variant type: single nucleotide variant.
Coding change: c.1440G>T on transcript NM_005732.4 (MANE Select); coding-DNA position 1440, G replaced by T.
Protein change: p.Glu480Asp; replaces glutamic acid 480 with aspartic acid.
Molecular consequence: missense variant.
Genome position (GRCh38, 1-based): chr5:132,589,825, G>T. VCF-style: chr5-132589825-G-T. GRCh37 (hg19) VCF-style: chr5-131925517-G-T.
Other names: short protein forms E480D.
Identifiers: ClinVar variation 2837690 (VCV002837690.3), dbSNP rs1750667264, ClinGen allele CA360944929.